The following is an entry in ClinVar:

ClinVar aggregate classification (germline): Uncertain significance (1 of 4 stars; one submission).

Submission:

Ambry Genetics
Classification: Uncertain significance. Last evaluated: 2024-03-20. Review status: criteria provided, single submitter. Criteria: Ambry Variant Classification Scheme 2023. Collection method: clinical testing. Allele origin: germline.
Comment: The p.Q2491P variant (also known as c.7472A>C), located in coding exon 28 of the POLQ gene, results from an A to C substitution at nucleotide position 7472. The glutamine at codon 2491 is replaced by proline, an amino acid with similar properties. This amino acid position is conserved. In addition, this alteration is predicted to be deleterious by in silico analysis. Based on the available evidence, the clinical significance of this alteration remains unclear.

NM_199420.4(POLQ):c.7472A>C (p.Gln2491Pro)

Gene: POLQ (DNA polymerase theta; minus strand). Cytogenetic location: 3q13.33.
Variant type: single nucleotide variant.
Coding change: c.7472A>C on transcript NM_199420.4 (MANE Select); coding-DNA position 7472, A replaced by C.
Protein change: p.Gln2491Pro; replaces glutamine 2491 with proline.
Molecular consequence: missense variant.
Genome position (GRCh38, 1-based): chr3:121,436,193, T>G on the plus strand (A>C on the coding strand, the complement: POLQ is on the minus strand). VCF-style: chr3-121436193-T-G. GRCh37 (hg19) VCF-style: chr3-121155040-T-G.
Other names: short protein forms Q2491P.
Identifiers: ClinVar variation 3308595 (VCV003308595.1).